The following is an entry in ClinVar:

ClinVar aggregate classification (germline): Uncertain significance (1 of 4 stars; one submission).

Conditions:
RASopathy. Also called: Noonan spectrum disorder; rasopathies. Identifiers: Orphanet 536391, MedGen C5555857, MONDO:0021060.

gnomAD v4.1: 1 of 1,613,874 alleles (0.000062%); no homozygotes.

Submission:

Labcorp Genetics (formerly Invitae), Labcorp
Classification: Uncertain significance for RASopathy. Last evaluated: 2024-05-18. Review status: criteria provided, single submitter. Criteria: Invitae Variant Classification Sherloc (09022015). Collection method: clinical testing. Allele origin: germline.
Comment: This sequence change replaces aspartic acid, which is acidic and polar, with tyrosine, which is neutral and polar, at codon 192 of the PTPN11 protein (p.Asp192Tyr). This variant is present in population databases (no rsID available, gnomAD 0.0009%). This variant has not been reported in the literature in individuals affected with PTPN11-related conditions. Advanced modeling of protein sequence and biophysical properties (such as structural, functional, and spatial information, amino acid conservation, physicochemical variation, residue mobility, and thermodynamic stability) performed at Invitae indicates that this missense variant is expected to disrupt PTPN11 protein function with a positive predictive value of 95%. In summary, the available evidence is currently insufficient to determine the role of this variant in disease. Therefore, it has been classified as a Variant of Uncertain Significance.

NM_002834.5(PTPN11):c.574G>T (p.Asp192Tyr)

Gene: PTPN11 (protein tyrosine phosphatase non-receptor type 11; plus strand). Cytogenetic location: 12q24.13.
Variant type: single nucleotide variant.
Coding change: c.574G>T on transcript NM_002834.5 (MANE Select); coding-DNA position 574, G replaced by T.
Protein change: p.Asp192Tyr; replaces aspartic acid 192 with tyrosine.
Molecular consequence: missense variant.
Genome position (GRCh38, 1-based): chr12:112,454,612, G>T. VCF-style: chr12-112454612-G-T. GRCh37 (hg19) VCF-style: chr12-112892416-G-T.
Other names: c.574G>T, p.Asp192Tyr (NM_001330437.2, NM_080601.3); c.571G>T, p.Asp191Tyr (NM_001374625.1); short protein forms D192Y, D191Y.
Identifiers: ClinVar variation 3681808 (VCV003681808.2).
Genomic context (GRCh38, chr12:112,454,612, plus strand): 5'-TTATCTTGAAAGGAACTGAAATACGACGTTGGTGGAGGAGAACGGTTTGATTCTTTGACA[G>T]ATCTTGTGGAACATTATAAGAAGAATCCTATGGTGGAAACATTGGGTACAGTACTACAAC-3'
Protein context (NP_002825.3, residues 182-202): GGGERFDSLT[Asp192Tyr]LVEHYKKNPM